The following is an entry in ClinVar:

ClinVar aggregate classification (germline): Conflicting classifications of pathogenicity. Review status: criteria provided, conflicting classifications (1 of 4 stars). 5 submissions from 5 submitters: Uncertain significance (3); Likely benign (1). 1 of the submissions does not count toward it. Last evaluated 2026-01-13.

Conditions:
Self-limited epilepsy with centrotemporal spikes. Also called: Rolandic epilepsy; Childhood epilepsy with centrotemporal spikes. Identifiers: Orphanet 1945, MedGen C0376532, MONDO:0007295.
Cortical dysplasia-focal epilepsy syndrome (PTHSL1). Also called: Pitt-Hopkins-like syndrome 1. Identifiers: Orphanet 163681, Orphanet 221150, MedGen C2750246, MONDO:0012400, OMIM 610042.

Allele frequency attached by ClinVar (database versions not stated): TOPMed 0.00006; ExAC 0.00024; gnomAD exomes 0.00047; gnomAD 0.00048.
gnomAD v4.1: 396 of 1,613,934 alleles (0.025%); highest among the groups gnomAD compares: Non-Finnish European, 0.011%; 2 homozygotes.

Submissions (5):

Labcorp Genetics (formerly Invitae), Labcorp
Classification: Likely benign for Cortical dysplasia-focal epilepsy syndrome. Last evaluated: 2026-01-13. Review status: criteria provided, single submitter. Criteria: Invitae Variant Classification Sherloc (09022015). Collection method: clinical testing. Allele origin: germline.

GeneDx
Classification: Uncertain significance. Last evaluated: 2018-05-25. Review status: criteria provided, single submitter. Criteria: GeneDx Variant Classification (06012015). Collection method: clinical testing. Allele origin: germline. Affected: yes.
Comment: The R884Q variant has not been published as a pathogenic variant, nor has it been reported as a benign polymorphism to our knowledge. It was not observed in approximately 6,500 individuals of European and African American ancestry in the NHLBI Exome Sequencing Project, indicating it is not a common benign variant in these populations. The R884Q variant is a semi-conservative amino acid substitution, which may impact secondary protein structure as these residues differ in some properties. The variant alters a position that is conserved through mammals; however, Glutamine is observed at this position in more distantly related species. In silico analysis is inconsistent in its predictions as to whether or not the variant is damaging to the protein structure/function. Therefore, based on the currently available information, it is unclear whether this variant is a pathogenic mutation or a rare benign variant.

Illumina Laboratory Services, Illumina
Classification: Uncertain significance for Cortical dysplasia-focal epilepsy syndrome. Last evaluated: 2018-01-13. Review status: criteria provided, single submitter. Criteria: ICSL Variant Classification Criteria 13 December 2019. Collection method: clinical testing. Allele origin: germline.

Genetic Services Laboratory, University of Chicago
Classification: Uncertain significance. Last evaluated: 2016-12-19. Review status: criteria provided, single submitter. Criteria: ACMG Guidelines, 2015. Collection method: clinical testing. Allele origin: germline. Affected: no.

Bioinformatics Core, Luxembourg Center for Systems Biomedicine
Classification: Pathogenic for Self-limited epilepsy with centrotemporal spikes. Last evaluated: 2017-01-01. Review status: no assertion criteria provided. Collection method: case-control. Allele origin: germline. Affected: yes. Study: EUROEPINOMICS COGIE. Not counted in ClinVar's aggregate classification.

Literature cited by the submitters: PubMed 29358611 (cited by Bioinformatics Core, Luxembourg Center for Systems Biomedicine).

NM_014141.6(CNTNAP2):c.2651G>A (p.Arg884Gln)

Gene: CNTNAP2 (contactin associated protein 2; plus strand). Cytogenetic location: 7q35.
Variant type: single nucleotide variant.
Coding change: c.2651G>A on transcript NM_014141.6 (MANE Select); coding-DNA position 2651, G replaced by A.
Protein change: p.Arg884Gln; replaces arginine 884 with glutamine.
Molecular consequence: missense variant.
Genome position (GRCh38, 1-based): chr7:148,147,587, G>A. VCF-style: chr7-148147587-G-A. GRCh37 (hg19) VCF-style: chr7-147844679-G-A.
Other names: p.R884Q:CGG>CAG; short protein forms R884Q.
Identifiers: ClinVar variation 205271 (VCV000205271.18), dbSNP rs758630057, ClinGen allele CA314176.